The following is an entry in ClinVar:

ClinVar aggregate classification (germline): Benign/Likely benign. Review status: criteria provided, multiple submitters, no conflicts (2 of 4 stars). 3 submissions from 3 submitters: Benign (1); Likely benign (1). 1 of the submissions does not count toward it. Last evaluated 2025-06-22.

Conditions:
SON-related disorder. Also called: SON-related condition.

Allele frequency attached by ClinVar (database versions not stated): 1000 Genomes Project 30x 0.00016; 1000 Genomes Project 0.00020; ESP Exome Variant Server 0.00031.
gnomAD v4.1: 73 of 1,613,916 alleles (0.0045%); highest among the groups gnomAD compares: African/African-American, 0.06%; no homozygotes.

Submissions (3):

Labcorp Genetics (formerly Invitae), Labcorp
Classification: Benign. Last evaluated: 2025-06-22. Review status: criteria provided, single submitter. Criteria: Invitae Variant Classification Sherloc (09022015). Collection method: clinical testing. Allele origin: germline.

Women's Health and Genetics/Laboratory Corporation of America, LabCorp
Classification: Likely benign. Last evaluated: 2023-11-22. Review status: criteria provided, single submitter. Criteria: LabCorp Variant Classification Summary - May 2015. Collection method: clinical testing. Allele origin: germline.

PreventionGenetics, part of Exact Sciences
Classification: Likely benign for SON-related condition. Last evaluated: 2022-11-17. Review status: no assertion criteria provided. Collection method: clinical testing. Allele origin: germline. Not counted in ClinVar's aggregate classification.
Comment: This variant is classified as likely benign based on ACMG/AMP sequence variant interpretation guidelines (Richards et al. 2015 PMID: 25741868, with internal and published modifications).

NM_138927.4(SON):c.498G>A (p.Ala166=)

Gene: SON (SON DNA and RNA binding protein; plus strand). Cytogenetic location: 21q22.11.
Variant type: single nucleotide variant.
Coding change: c.498G>A on transcript NM_138927.4 (MANE Select); coding-DNA position 498, G replaced by A.
Protein change: p.Ala166=; no amino-acid change (alanine 166 retained).
Molecular consequence: synonymous variant. On other transcripts: non-coding transcript variant (1), intron variant (1).
Genome position (GRCh38, 1-based): chr21:33,549,729, G>A. VCF-style: chr21-33549729-G-A. GRCh37 (hg19) VCF-style: chr21-34922035-G-A.
Other names: c.498G>A (NM_138927.2); c.498G>A, p.Ala166= (NM_001291411.2, NM_001412133.1, NM_032195.3 and 2 more transcripts); c.244+3350G>A (NM_001291412.3).
Identifiers: ClinVar variation 2074872 (VCV002074872.7), dbSNP rs149705588, ClinGen allele CA10008692.